The following is an entry in ClinVar:

NM_001352514.2(HLCS):c.1893-6C>T

Gene: HLCS (holocarboxylase synthetase; minus strand). Cytogenetic location: 21q22.13.
Variant type: single nucleotide variant.
Coding change: c.1893-6C>T on transcript NM_001352514.2 (MANE Select); 6 bases into the intron before coding-DNA position 1893, C replaced by T.
Molecular consequence: intron variant.
Genome position (GRCh38, 1-based): chr21:36,767,291, G>A on the plus strand (C>T on the coding strand, the complement: HLCS is on the minus strand). VCF-style: chr21-36767291-G-A. GRCh37 (hg19) VCF-style: chr21-38139592-G-A.
Other names: c.1452-6C>T (NM_001352517.1, NM_001242785.2, NM_001352515.2 and 4 more transcripts).
Identifiers: ClinVar variation 379867 (VCV000379867.19), dbSNP rs139904712, ClinGen allele CA10020431.

ClinVar aggregate classification (germline): Benign/Likely benign. Review status: criteria provided, multiple submitters, no conflicts (2 of 4 stars). 5 submissions from 5 submitters: Benign (1); Likely benign (3). 1 of the submissions does not count toward it. Last evaluated 2026-01-28.

Conditions:
HLCS-related disorder. Also called: HLCS-related condition.
Holocarboxylase synthetase deficiency. Also called: MULTIPLE CARBOXYLASE DEFICIENCY, EARLY ONSET. Identifiers: Orphanet 79242, MedGen C0268581, MONDO:0009666, OMIM 253270.
Inborn genetic diseases. Identifiers: MedGen C0950123, MeSH D030342.

Allele frequency attached by ClinVar (database versions not stated): 1000 Genomes Project 0.00140; 1000 Genomes Project 30x 0.00141; gnomAD 0.00285 and 0.00313; ESP Exome Variant Server 0.00323; TOPMed 0.00326.
gnomAD v4.1: 841 of 1,614,052 alleles (0.052%); highest among the groups gnomAD compares: African/African-American, 1%; 1 homozygote.

Submissions (5):

Labcorp Genetics (formerly Invitae), Labcorp
Classification: Benign for Holocarboxylase synthetase deficiency. Last evaluated: 2026-01-28. Review status: criteria provided, single submitter. Criteria: Invitae Variant Classification Sherloc (09022015). Collection method: clinical testing. Allele origin: germline.

Blueprint Genetics
Classification: Likely benign. Last evaluated: 2024-07-11. Review status: criteria provided, single submitter. Criteria: ACMG Guidelines, 2015. Collection method: clinical testing. Allele origin: germline.

Ambry Genetics
Classification: Likely benign for Inborn genetic diseases. Last evaluated: 2022-01-07. Review status: criteria provided, single submitter. Criteria: Ambry Variant Classification Scheme 2023. Collection method: clinical testing. Allele origin: germline.

GeneDx
Classification: Likely benign. Last evaluated: 2019-01-10. Review status: criteria provided, single submitter. Criteria: GeneDx Variant Classification Process June 2021. Collection method: clinical testing. Allele origin: germline. Affected: yes.

PreventionGenetics, part of Exact Sciences
Classification: Benign for HLCS-related condition. Last evaluated: 2019-11-22. Review status: no assertion criteria provided. Collection method: clinical testing. Allele origin: germline. Not counted in ClinVar's aggregate classification.
Comment: This variant is classified as benign based on ACMG/AMP sequence variant interpretation guidelines (Richards et al. 2015 PMID: 25741868, with internal and published modifications).